The following is an entry in ClinVar:

NM_000528.4(MAN2B1):c.2924-150C>T

Gene: MAN2B1 (mannosidase alpha class 2B member 1; minus strand). Cytogenetic location: 19p13.13.
Variant type: single nucleotide variant.
Coding change: c.2924-150C>T on transcript NM_000528.4 (MANE Select); 150 bases into the intron before coding-DNA position 2924, C replaced by T.
Molecular consequence: intron variant.
Genome position (GRCh38, 1-based): chr19:12,646,882, G>A on the plus strand (C>T on the coding strand, the complement: MAN2B1 is on the minus strand). VCF-style: chr19-12646882-G-A. GRCh37 (hg19) VCF-style: chr19-12757696-G-A.
Other names: c.2921-150C>T (NM_001173498.2).
Identifiers: ClinVar variation 1706812 (VCV001706812.2), dbSNP rs144410202, ClinGen allele CA305459599.

ClinVar aggregate classification (germline): Likely benign (1 of 4 stars; one submission).

Allele frequency attached by ClinVar (database versions not stated): gnomAD exomes 0.00039; 1000 Genomes Project 30x 0.00250; 1000 Genomes Project 0.00260; gnomAD 0.00391; TOPMed 0.00425.

Submission:

GeneDx
Classification: Likely benign. Last evaluated: 2021-05-26. Review status: criteria provided, single submitter. Criteria: GeneDx Variant Classification Process June 2021. Collection method: clinical testing. Allele origin: germline. Affected: yes.
Comment: See Variant Classification Assertion Criteria.